The following is an entry in ClinVar:

ClinVar aggregate classification (germline): Uncertain significance (1 of 4 stars; one submission).

Conditions:
Hereditary cancer-predisposing syndrome. Also called: Neoplastic Syndromes, Hereditary; Tumor predisposition; Hereditary Cancer Syndrome; Hereditary neoplastic syndrome. Identifiers: Orphanet 140162, MedGen C0027672, MeSH D009386, MONDO:0015356.

Submission:

Ambry Genetics
Classification: Uncertain significance for Hereditary cancer-predisposing syndrome. Last evaluated: 2026-03-04. Review status: criteria provided, single submitter. Criteria: Ambry Variant Classification Scheme 2023. Collection method: clinical testing. Allele origin: germline.
Comment: The p.S465T variant (also known as c.1393T>A), located in coding exon 9 of the KIT gene, results from a T to A substitution at nucleotide position 1393. The serine at codon 465 is replaced by threonine, an amino acid with similar properties. This amino acid position is conserved. In addition, this alteration is predicted to be tolerated by in silico analysis. Based on the available evidence, the clinical significance of this variant remains unclear.

NM_000222.3(KIT):c.1393T>A (p.Ser465Thr)

Gene: KIT (KIT proto-oncogene, receptor tyrosine kinase; plus strand). Cytogenetic location: 4q12.
Variant type: single nucleotide variant.
Coding change: c.1393T>A on transcript NM_000222.3 (MANE Select); coding-DNA position 1393, T replaced by A.
Protein change: p.Ser465Thr; replaces serine 465 with threonine.
Molecular consequence: missense variant.
Genome position (GRCh38, 1-based): chr4:54,725,903, T>A. VCF-style: chr4-54725903-T-A. GRCh37 (hg19) VCF-style: chr4-55592069-T-A.
Other names: c.1393T>A, p.Ser465Thr (NM_001093772.2, NM_001385285.1, NM_001385286.1); c.1396T>A, p.Ser466Thr (NM_001385284.1, NM_001385288.1, NM_001385290.1 and 1 more transcripts); short protein forms S465T, S466T.
Identifiers: ClinVar variation 4827652 (VCV004827652.1).
Genomic context (GRCh38, chr4:54,725,903, plus strand): 5'-TTTCTTCCCTTTAGATGCTCTGCTTCTGTACTGCCAGTGGATGTGCAGACACTAAACTCA[T>A]CTGGGCCACCGTTTGGAAAGCTAGTGGTTCAGAGTTCTATAGATTCTAGTGCATTCAAGC-3'
Protein context (NP_000213.1, residues 455-475): LPVDVQTLNS[Ser465Thr]GPPFGKLVVQ